The following is an entry in ClinVar:

NC_000002.11:g.(?_58431245)_(58468448_?)del

Gene: FANCL (FA complementation group L; minus strand). Cytogenetic location: 2p16.1.
Variant type: Deletion.
Identifiers: ClinVar variation 3247128 (VCV003247128.1).

ClinVar aggregate classification (germline): Pathogenic (1 of 4 stars; one submission).

Conditions:
Fanconi anemia (FA). Also called: Fanconi's anemia. Identifiers: Orphanet 84, MedGen C0015625, MeSH D005199, MONDO:0019391.

Submission:

Labcorp Genetics (formerly Invitae), Labcorp
Classification: Pathogenic for Fanconi anemia. Last evaluated: 2023-08-02. Review status: criteria provided, single submitter. Criteria: Invitae Variant Classification Sherloc (09022015). Collection method: clinical testing. Allele origin: unknown.
Comment: For these reasons, this variant has been classified as Pathogenic. This variant has not been reported in the literature in individuals affected with FANCL-related conditions. This variant is a gross deletion of the genomic region encompassing exon(s) 1-6 of the FANCL gene, which includes the initiator codon. This deletion extends beyond the assayed region for this gene and therefore may encompass additional genes. It is expected to result in an absent or disrupted protein product. Loss-of-function variants in FANCL are known to be pathogenic (PMID: 19405097, 23613520).

Literature cited by the submitters: PubMed 19405097; PubMed 23613520.